The following is an entry in ClinVar:

ClinVar aggregate classification (germline): Uncertain significance (1 of 4 stars; one submission).

Submission:

GeneDx
Classification: Uncertain significance. Last evaluated: 2022-06-28. Review status: criteria provided, single submitter. Criteria: GeneDx Variant Classification Process June 2021. Collection method: clinical testing. Allele origin: germline. Affected: yes.
Comment: Not observed at significant frequency in large population cohorts (gnomAD); In silico analysis supports that this missense variant does not alter protein structure/function; Has not been previously published as pathogenic or benign to our knowledge

NM_001170629.2(CHD8):c.3340G>C (p.Glu1114Gln)

Gene: CHD8 (chromodomain helicase DNA binding protein 8; minus strand). Cytogenetic location: 14q11.2.
Variant type: single nucleotide variant.
Coding change: c.3340G>C on transcript NM_001170629.2 (MANE Select); coding-DNA position 3340, G replaced by C.
Protein change: p.Glu1114Gln; replaces glutamic acid 1114 with glutamine.
Molecular consequence: missense variant.
Genome position (GRCh38, 1-based): chr14:21,403,631, C>G on the plus strand (G>C on the coding strand, the complement: CHD8 is on the minus strand). VCF-style: chr14-21403631-C-G. GRCh37 (hg19) VCF-style: chr14-21871790-C-G.
Other names: c.2503G>C, p.Glu835Gln (NM_020920.4); short protein forms E1114Q, E835Q.
Identifiers: ClinVar variation 1693359 (VCV001693359.2), dbSNP rs1555314993, ClinGen allele CA388901414.
Genomic context (GRCh38, chr14:21,403,631, plus strand): 5'-TGCCGGCTGAACGAACCATGGCCTGCAGGTGAAAGTCATGAGGTATAATATGGCAAGCTT[C>G]ACGGAATTCTGTTAGGATTTTTTCTTCAGCACCTGCCAAAAGAAAAATCAAATTATGTTG-3'
Protein context (NP_001164100.1, residues 1104-1124): AEEKILTEFR[Glu1114Gln]ACHIIPHDFH